The following is an entry in ClinVar:

NM_018026.4(PACS1):c.221C>T (p.Thr74Ile)

Genes: PACS1 (phosphofurin acidic cluster sorting protein 1; plus strand), LOC130006099 (ATAC-STARR-seq lymphoblastoid silent region 3575; plus strand). Cytogenetic location: 11q13.1.
Variant type: single nucleotide variant.
Coding change: c.221C>T on transcript NM_018026.4 (MANE Select); coding-DNA position 221, C replaced by T.
Protein change: p.Thr74Ile; replaces threonine 74 with isoleucine.
Molecular consequence: missense variant.
Genome position (GRCh38, 1-based): chr11:66,070,707, C>T. VCF-style: chr11-66070707-C-T. GRCh37 (hg19) VCF-style: chr11-65838178-C-T.
Other names: short protein forms T74I.
Identifiers: ClinVar variation 1800860 (VCV001800860.1), dbSNP rs1857293486, ClinGen allele CA381507809.

ClinVar aggregate classification (germline): Uncertain significance (1 of 4 stars; one submission).

Allele frequency attached by ClinVar (database versions not stated): TOPMed 0.00001.

Submission:

GeneDx
Classification: Uncertain significance. Last evaluated: 2022-05-23. Review status: criteria provided, single submitter. Criteria: GeneDx Variant Classification Process June 2021. Collection method: clinical testing. Allele origin: germline. Affected: yes.
Comment: Not observed at significant frequency in large population cohorts (gnomAD); In silico analysis supports that this missense variant does not alter protein structure/function; Has not been previously published as pathogenic or benign to our knowledge